The following is an entry in ClinVar:

ClinVar aggregate classification (germline): Uncertain significance (1 of 4 stars; one submission).

Submission:

GeneDx
Classification: Uncertain significance. Last evaluated: 2024-12-17. Review status: criteria provided, single submitter. Criteria: GeneDx Variant Classification Process June 2021. Collection method: clinical testing. Allele origin: germline. Affected: yes.
Comment: Not observed at significant frequency in large population cohorts (gnomAD); In silico analysis indicates that this missense variant does not alter protein structure/function; Has not been previously published as pathogenic or benign to our knowledge

NM_001348323.3(TRIP12):c.1447G>C (p.Ala483Pro)

Gene: TRIP12 (thyroid hormone receptor interactor 12; minus strand). Cytogenetic location: 2q36.3.
Variant type: single nucleotide variant.
Coding change: c.1447G>C on transcript NM_001348323.3 (MANE Select); coding-DNA position 1447, G replaced by C.
Protein change: p.Ala483Pro; replaces alanine 483 with proline.
Molecular consequence: missense variant.
Genome position (GRCh38, 1-based): chr2:229,829,196, C>G on the plus strand (G>C on the coding strand, the complement: TRIP12 is on the minus strand). VCF-style: chr2-229829196-C-G. GRCh37 (hg19) VCF-style: chr2-230693912-C-G.
Other names: c.1447G>C, p.Ala483Pro (NM_001284214.2, NM_001348315.2, NM_001348319.1 and 11 more transcripts); c.1321G>C, p.Ala441Pro (NM_001284215.2, NM_001348316.2, NM_001348317.1 and 2 more transcripts); c.412G>C, p.Ala138Pro (NM_001284216.2); c.1360G>C, p.Ala454Pro (NM_001348332.1); c.1303G>C, p.Ala435Pro (NM_004238.3); short protein forms A138P, A435P, A441P, A454P, A483P.
Identifiers: ClinVar variation 3906658 (VCV003906658.1).
Genomic context (GRCh38, chr2:229,829,196, plus strand): 5'-AACAATAGCAGTTGGCTAATTATTGAGGGATTTCAGGGAAGGAACATTTTTACTTACTAG[C>G]TCCACTTCCAATTGTTCTATGGAAAAGCTGTGACATCCGAGGACCAAGAGGACCAAATAG-3'
Protein context (NP_001335252.1, residues 473-493): QLFHRTIGSG[Ala483Pro]SSKAQQLLQG